The following is an entry in ClinVar:

NM_005732.4(RAD50):c.2628G>C (p.Gln876His)

Gene: RAD50 (RAD50 double strand break repair protein; plus strand). Cytogenetic location: 5q31.1.
Variant type: single nucleotide variant.
Coding change: c.2628G>C on transcript NM_005732.4 (MANE Select); coding-DNA position 2628, G replaced by C.
Protein change: p.Gln876His; replaces glutamine 876 with histidine.
Molecular consequence: missense variant.
Genome position (GRCh38, 1-based): chr5:132,604,909, G>C. VCF-style: chr5-132604909-G-C. GRCh37 (hg19) VCF-style: chr5-131940601-G-C.
Other names: short protein forms Q876H.
Identifiers: ClinVar variation 566926 (VCV000566926.9), dbSNP rs1561645676, ClinGen allele CA360956633.

ClinVar aggregate classification (germline): Uncertain significance (1 of 4 stars; one submission).

Conditions:
Hereditary cancer-predisposing syndrome. Also called: Neoplastic Syndromes, Hereditary; Tumor predisposition; Hereditary neoplastic syndrome; Hereditary Cancer Syndrome. Identifiers: Orphanet 140162, MedGen C0027672, MeSH D009386, MONDO:0015356.

Allele frequency attached by ClinVar (database versions not stated): gnomAD exomes below 0.00001.
gnomAD v4.1: 1 of 1,613,822 alleles (0.000062%); highest among the groups gnomAD compares: Non-Finnish European, 0.000085%; no homozygotes.

Submission:

Labcorp Genetics (formerly Invitae), Labcorp
Classification: Uncertain significance for Hereditary cancer-predisposing syndrome. Last evaluated: 2020-01-01. Review status: criteria provided, single submitter. Criteria: Invitae Variant Classification Sherloc (09022015). Collection method: clinical testing. Allele origin: germline.
Comment: In summary, the available evidence is currently insufficient to determine the role of this variant in disease. Therefore, it has been classified as a Variant of Uncertain Significance. Algorithms developed to predict the effect of missense changes on protein structure and function (SIFT, PolyPhen-2, Align-GVGD) all suggest that this variant is likely to be tolerated, but these predictions have not been confirmed by published functional studies and their clinical significance is uncertain. This variant has not been reported in the literature in individuals with RAD50-related disease. This variant is not present in population databases (ExAC no frequency). This sequence change replaces glutamine with histidine at codon 876 of the RAD50 protein (p.Gln876His). The glutamine residue is moderately conserved and there is a small physicochemical difference between glutamine and histidine.